The following is an entry in ClinVar:

ClinVar aggregate classification (germline): Conflicting classifications of pathogenicity. Review status: criteria provided, conflicting classifications (1 of 4 stars). 7 submissions from 5 submitters: Uncertain significance (2); Benign (1); Likely benign (4). Last evaluated 2026-01-01.

Conditions:
Hereditary spherocytosis type 3. Also called: SPTA1-Related Spherocytosis; Spherocytosis type 3. Identifiers: Orphanet 822, MedGen C2678338, MONDO:0010053, OMIM 270970.
Elliptocytosis 2 (EL2). Also called: ELLIPTOCYTOSIS, RHESUS-UNLINKED TYPE. Identifiers: Orphanet 288, MedGen C1851741, MONDO:0007533, OMIM 130600.
Pyropoikilocytosis, hereditary. Also called: Pyropoikilocytosis. Identifiers: MedGen C0520739, MONDO:0009948, OMIM 266140, HP:0004839. Disease mechanism: loss of function.

Allele frequency attached by ClinVar (database versions not stated): ExAC 0.00096; ESP Exome Variant Server 0.00214; gnomAD 0.00283 and 0.00291; TOPMed 0.00334; 1000 Genomes Project 0.00419; 1000 Genomes Project 30x 0.00437.
gnomAD v4.1: 1,005 of 1,614,158 alleles (0.062%); highest among the groups gnomAD compares: African/African-American, 1%; 5 homozygotes.

Submissions (7):

CeGaT Center for Human Genetics Tuebingen
Classification: Likely benign. Last evaluated: 2026-01-01. Review status: criteria provided, single submitter. Criteria: CeGaT Center For Human Genetics Tuebingen Variant Classification Criteria Version 2. Collection method: clinical testing. Allele origin: germline. Affected: yes. Observed: 2 variant alleles.
Comment: SPTA1: BP4, BS2

Labcorp Genetics (formerly Invitae), Labcorp
Classification: Benign. Last evaluated: 2025-12-24. Review status: criteria provided, single submitter. Criteria: Invitae Variant Classification Sherloc (09022015). Collection method: clinical testing. Allele origin: germline.

ARUP Laboratories, Molecular Genetics and Genomics, ARUP Laboratories
Classification: Likely benign. Last evaluated: 2024-09-27. Review status: criteria provided, single submitter. Criteria: ARUP Molecular Germline Variant Investigation Process 2024. Collection method: clinical testing. Allele origin: germline.

Blueprint Genetics
Classification: Likely benign. Last evaluated: 2024-09-04. Review status: criteria provided, single submitter. Criteria: ACMG Guidelines, 2015. Collection method: clinical testing. Allele origin: germline.

Illumina Laboratory Services, Illumina
Classification: Likely benign for Elliptocytosis 2. Last evaluated: 2018-01-12. Review status: criteria provided, single submitter. Criteria: ICSL Variant Classification Criteria 13 December 2019. Collection method: clinical testing. Allele origin: germline.
Comment: This variant was observed in the ICSL laboratory as part of a predisposition screen in an ostensibly healthy population. It had not been previously curated by ICSL or reported in the Human Gene Mutation Database (HGMD: prior to June 1st, 2018), and was therefore a candidate for classification through an automated scoring system. Utilizing variant allele frequency, disease prevalence and penetrance estimates, and inheritance mode, an automated score was calculated to assess if this variant is too frequent to cause the disease. Based on the score and internal cut-off values, a variant classified as likely benign is not then subjected to further curation. The score for this variant resulted in a classification of likely benign for this disease.

Illumina Laboratory Services, Illumina
Classification: Uncertain significance for Hereditary spherocytosis type 3. Last evaluated: 2018-01-12. Review status: criteria provided, single submitter. Criteria: ICSL Variant Classification Criteria 13 December 2019. Collection method: clinical testing. Allele origin: germline.

Illumina Laboratory Services, Illumina
Classification: Uncertain significance for Pyropoikilocytosis, hereditary. Last evaluated: 2018-01-12. Review status: criteria provided, single submitter. Criteria: ICSL Variant Classification Criteria 13 December 2019. Collection method: clinical testing. Allele origin: germline.

NM_003126.4(SPTA1):c.1731G>T (p.Leu577Phe)

Gene: SPTA1 (spectrin alpha, erythrocytic 1; minus strand). Cytogenetic location: 1q23.1.
Variant type: single nucleotide variant.
Coding change: c.1731G>T on transcript NM_003126.4 (MANE Select); coding-DNA position 1731, G replaced by T.
Protein change: p.Leu577Phe; replaces leucine 577 with phenylalanine.
Molecular consequence: missense variant.
Genome position (GRCh38, 1-based): chr1:158,669,510, C>A on the plus strand (G>T on the coding strand, the complement: SPTA1 is on the minus strand). VCF-style: chr1-158669510-C-A. GRCh37 (hg19) VCF-style: chr1-158639300-C-A.
Other names: short protein forms L577F.
Identifiers: ClinVar variation 293030 (VCV000293030.36), dbSNP rs34211240, ClinGen allele CA1183636.